The following is an entry in ClinVar:

ClinVar aggregate classification (germline): Uncertain significance (1 of 4 stars; one submission).

Submission:

GeneDx
Classification: Uncertain significance. Last evaluated: 2024-05-24. Review status: criteria provided, single submitter. Criteria: GeneDx Variant Classification Process June 2021. Collection method: clinical testing. Allele origin: germline. Affected: yes.
Comment: Not observed at significant frequency in large population cohorts (gnomAD); In silico analysis supports that this missense variant has a deleterious effect on protein structure/function; Has not been previously published as pathogenic or benign to our knowledge

NM_003024.3(ITSN1):c.1349A>T (p.Glu450Val)

Gene: ITSN1 (intersectin 1; plus strand). Cytogenetic location: 21q22.11.
Variant type: single nucleotide variant.
Coding change: c.1349A>T on transcript NM_003024.3 (MANE Select); coding-DNA position 1349, A replaced by T.
Protein change: p.Glu450Val; replaces glutamic acid 450 with valine.
Molecular consequence: missense variant.
Genome position (GRCh38, 1-based): chr21:33,774,772, A>T. VCF-style: chr21-33774772-A-T. GRCh37 (hg19) VCF-style: chr21-35147076-A-T.
Other names: c.1349A>T, p.Glu450Val (NM_001001132.2, NM_001331008.2, NM_001331009.2 and 2 more transcripts); c.1238A>T, p.Glu413Val (NM_001331012.2); short protein forms E413V, E450V.
Identifiers: ClinVar variation 3383665 (VCV003383665.1).